The following is an entry in ClinVar:

ClinVar aggregate classification (germline): Uncertain significance (1 of 4 stars; one submission).

Submission:

CeGaT Center for Human Genetics Tuebingen
Classification: Uncertain significance. Last evaluated: 2026-09-01. Review status: criteria provided, single submitter. Criteria: CeGaT Center For Human Genetics Tuebingen Variant Classification Criteria Version 2. Collection method: clinical testing. Allele origin: germline. Affected: yes. Observed: 1 variant allele.
Comment: NRAP: PM2

NM_198060.4(NRAP):c.4948C>A (p.Gln1650Lys)

Gene: NRAP (nebulin related anchoring protein; minus strand). Cytogenetic location: 10q25.3.
Variant type: single nucleotide variant.
Coding change: c.4948C>A on transcript NM_198060.4 (MANE Select); coding-DNA position 4948, C replaced by A.
Protein change: p.Gln1650Lys; replaces glutamine 1650 with lysine.
Molecular consequence: missense variant.
Genome position (GRCh38, 1-based): chr10:113,590,586, G>T on the plus strand (C>A on the coding strand, the complement: NRAP is on the minus strand). VCF-style: chr10-113590586-G-T. GRCh37 (hg19) VCF-style: chr10-115350345-G-T.
Other names: c.4948C>A, p.Gln1650Lys (NM_001261463.2); c.4840C>A, p.Gln1614Lys (NM_001322945.2); c.4843C>A, p.Gln1615Lys (NM_006175.5); short protein forms Q1614K, Q1615K, Q1650K.
Identifiers: ClinVar variation 5041600 (VCV005041600.1).